The following is an entry in ClinVar:

ClinVar aggregate classification (germline): Uncertain significance. Review status: criteria provided, multiple submitters, no conflicts (2 of 4 stars). 2 submissions from 2 submitters: Uncertain significance (2). Last evaluated 2026-03-18.

Allele frequency attached by ClinVar (database versions not stated): gnomAD 0.00001; gnomAD exomes 0.00001; TOPMed 0.00001; ExAC 0.00004.

Submissions (2):

Women's Health and Genetics/Laboratory Corporation of America, LabCorp
Classification: Uncertain significance. Last evaluated: 2026-03-18. Review status: criteria provided, single submitter. Criteria: LabCorp Variant Classification Summary - May 2015. Collection method: clinical testing. Allele origin: germline.
Comment: Variant summary: SOCS1 c.518C>T (p.Pro173Leu) results in a non-conservative amino acid change in the encoded protein sequence. Algorithms developed to predict the effect of missense changes on protein structure and function are either unavailable or do not agree on the potential impact of this missense change. The variant was absent in 108366 control chromosomes. The available data on variant occurrences in the general population are insufficient to allow any conclusion about variant significance. To our knowledge, no occurrence of c.518C>T in individuals affected with SOCS1-related conditions and no experimental evidence demonstrating its impact on protein function have been reported. ClinVar contains an entry for this variant (Variation ID: 2405945). Based on the evidence outlined above, the variant was classified as uncertain significance.

Ambry Genetics
Classification: Uncertain significance. Last evaluated: 2022-06-27. Review status: criteria provided, single submitter. Criteria: Ambry Variant Classification Scheme 2023. Collection method: clinical testing. Allele origin: germline.

NM_003745.2(SOCS1):c.518C>T (p.Pro173Leu)

Gene: SOCS1 (suppressor of cytokine signaling 1; minus strand). Cytogenetic location: 16p13.13.
Variant type: single nucleotide variant.
Coding change: c.518C>T on transcript NM_003745.2 (MANE Select); coding-DNA position 518, C replaced by T.
Protein change: p.Pro173Leu; replaces proline 173 with leucine.
Molecular consequence: missense variant.
Genome position (GRCh38, 1-based): chr16:11,254,961, G>A on the plus strand (C>T on the coding strand, the complement: SOCS1 is on the minus strand). VCF-style: chr16-11254961-G-A. GRCh37 (hg19) VCF-style: chr16-11348818-G-A.
Other names: short protein forms P173L.
Identifiers: ClinVar variation 2405945 (VCV002405945.3), dbSNP rs763639146, ClinGen allele CA7902229.